The following is an entry in ClinVar:

NM_014251.3(SLC25A13):c.970C>T (p.Gln324Ter)

Gene: SLC25A13 (solute carrier family 25 member 13; minus strand). Cytogenetic location: 7q21.3.
Variant type: single nucleotide variant.
Coding change: c.970C>T on transcript NM_014251.3 (MANE Select); coding-DNA position 970, C replaced by T.
Protein change: p.Gln324Ter; replaces glutamine 324 with a stop codon.
Molecular consequence: nonsense. On other transcripts: non-coding transcript variant (1).
Genome position (GRCh38, 1-based): chr7:96,184,975, G>A on the plus strand (C>T on the coding strand, the complement: SLC25A13 is on the minus strand). VCF-style: chr7-96184975-G-A. GRCh37 (hg19) VCF-style: chr7-95814287-G-A.
Other names: c.970C>T (NM_014251.2); c.973C>T, p.Gln325Ter (NM_001160210.2); short protein forms Q324*, Q325*.
Identifiers: ClinVar variation 1450311 (VCV001450311.11), dbSNP rs1012084121, ClinGen allele CA162991788.

ClinVar aggregate classification (germline): Pathogenic/Likely pathogenic. Review status: criteria provided, multiple submitters, no conflicts (2 of 4 stars). 5 submissions from 5 submitters: Pathogenic (1); Likely pathogenic (4). Last evaluated 2025-08-14.

Conditions:
Citrullinemia, type II, adult-onset (CDAA). Also called: CITRIN DEFICIENCY, ADOLESCENT OR ADULT ONSET. Identifiers: Orphanet 247585, MedGen CN295299, MONDO:0011326, OMIM 603471.
Neonatal intrahepatic cholestasis due to citrin deficiency (CDNI). Also called: Neonatal-onset citrullinemia type II; Neonatal-onset citrullinemia type 2; CITRIN DEFICIENCY, NEONATAL OR INFANTILE ONSET; Neonatal Intrahepatic Cholestasis Caused by Citrin Deficiency (NICCD). Identifiers: Orphanet 247598, MedGen C1853942, MONDO:0011601, OMIM 605814.
Citrullinemia. Identifiers: Orphanet 187, MedGen C0175683, MONDO:0015991.
Citrin deficiency. Identifiers: Orphanet 247582, MedGen C1997910, MONDO:0016602.

Allele frequency attached by ClinVar (database versions not stated): TOPMed below 0.00001.
gnomAD v4.1: 21 of 1,614,208 alleles (0.0013%); highest among the groups gnomAD compares: Non-Finnish European, 0.0018%; no homozygotes.

Submissions (5):

Natera, Inc.
Classification: Likely pathogenic for Citrullinemia. Last evaluated: 2025-08-14. Review status: criteria provided, single submitter. Criteria: Natera Variant Classification Schema (03/2026). Collection method: clinical testing. Allele origin: germline.
Comment: The c.970C>T variant in SLC25A13 is a nonsense variant predicted to introduce a stop codon at amino acid 324. This variant is expected to result in nonsense mediated decay, truncation, or a dysfunctional protein product. This variant is rare in the general population with a frequency below the threshold expected for the associated phenotype(s). Given the available evidence, this variant is classified as Likely Pathogenic.

Revvity Omics, Revvity
Classification: Likely pathogenic. Last evaluated: 2025-01-09. Review status: criteria provided, single submitter. Criteria: ACMG Guidelines, 2015. Collection method: clinical testing. Allele origin: germline.

Fulgent Genetics
Classification: Likely pathogenic for Citrullinemia, type II, adult-onset; Neonatal intrahepatic cholestasis due to citrin deficiency. Last evaluated: 2024-04-26. Review status: criteria provided, single submitter. Criteria: ACMG Guidelines, 2015. Collection method: clinical testing. Allele origin: germline.

Baylor Genetics
Classification: Likely pathogenic for Citrullinemia, type II, adult-onset. Last evaluated: 2024-01-22. Review status: criteria provided, single submitter. Criteria: ACMG Guidelines, 2015. Collection method: clinical testing. Allele origin: unknown.

Labcorp Genetics (formerly Invitae), Labcorp
Classification: Pathogenic for Citrin deficiency. Last evaluated: 2022-03-19. Review status: criteria provided, single submitter. Criteria: Invitae Variant Classification Sherloc (09022015). Collection method: clinical testing. Allele origin: germline.
Comment: For these reasons, this variant has been classified as Pathogenic. Algorithms developed to predict the effect of sequence changes on RNA splicing suggest that this variant may disrupt the consensus splice site. This variant has not been reported in the literature in individuals affected with SLC25A13-related conditions. This variant is not present in population databases (gnomAD no frequency). This sequence change creates a premature translational stop signal (p.Gln324*) in the SLC25A13 gene. It is expected to result in an absent or disrupted protein product. Loss-of-function variants in SLC25A13 are known to be pathogenic (PMID: 10369257, 14680984, 27405544).

Literature cited by the submitters: PubMed 10369257 (cited by Labcorp Genetics (formerly Invitae), Labcorp); PubMed 14680984 (cited by Labcorp Genetics (formerly Invitae), Labcorp); PubMed 27405544 (cited by Labcorp Genetics (formerly Invitae), Labcorp).